The following is an entry in ClinVar:

ClinVar aggregate classification (germline): Conflicting classifications of pathogenicity. Review status: criteria provided, conflicting classifications (1 of 4 stars). 4 submissions from 4 submitters: Likely pathogenic (3); Uncertain significance (1). Last evaluated 2025-10-17.

Conditions:
APOE-related disorder. Also called: APOE-related condition.
Familial type 3 hyperlipoproteinemia. Also called: Hyperlipoproteinemia type 3; Hyperlipoproteinemia type III; Dysbetalipoproteinemia; Familial dysbetalipoproteinemia; Broad beta disease; Remnant removal disease. Identifiers: Orphanet 412, MedGen C0020479, MONDO:0018473, OMIM 617347.
Alzheimer disease 2 (AD2). Also called: ALZHEIMER DISEASE 2, LATE-ONSET; ALZHEIMER DISEASE ASSOCIATED WITH APOE4. Identifiers: Orphanet 1020, MedGen C1863051, MONDO:0007089, OMIM 104310.

Submissions (4):

PreventionGenetics, part of Exact Sciences
Classification: Likely pathogenic for APOE-related condition. Last evaluated: 2025-10-17. Review status: criteria provided, single submitter. Criteria: ACMG Guidelines, 2015. Collection method: clinical testing. Allele origin: germline.
Comment: The APOE c.460C>T variant is predicted to result in the amino acid substitution p.Arg154Cys. This variant was reported in a study of individuals who underwent testing for Hypertriglyceridemia (Deshotels et al. 2022. PubMed ID: 36325899), and was found in a family with an unspecified dyslipoproteinemia (Khalil et al. 2021. PubMed ID:34058468). This variant resides in the receptor-binding domain (Rasmussen et al. 2020. PubMed ID:32808727), and a different variant at this same position (c.460C>A (p.Arg154Ser)) has been classified as likely pathogenic or pathogenic in ClinVar (Variation ID: 3572888). This variant is reported in 0.030% of alleles in individuals of South Asian descent in gnomAD. This variant is interpreted as likely pathogenic.

3billion
Classification: Likely pathogenic for Familial type 3 hyperlipoproteinemia. Last evaluated: 2024-02-19. Review status: criteria provided, single submitter. Criteria: ACMG Guidelines, 2015. Collection method: clinical testing. Allele origin: germline. Affected: yes.
Comment: The variant is observed at an extremely low frequency in the gnomAD v2.1.1 dataset (total allele frequency: 0.009%). Predicted Consequence/Location: Missense changes are a common disease-causing mechanism. In silico tool predictions suggest damaging effect of the variant on gene or gene product [REVEL: 0.71 (>=0.6, sensitivity 0.68 and specificity 0.92); 3Cnet: 0.80 (>=0.6, sensitivity 0.72 and precision 0.9)]. Same nucleotide change resulting in same amino acid change has been previously reported to be associated with APOE related disorder (PMID: 7907341 /3billion dataset).Different missense changes at the same codon (p.Arg154His, p.Arg154Leu, p.Arg154Ser) have been reported as pathogenic/likely pathogenic with strong evidence (ClinVar ID: VCV000017850, VCV000375636 /PMID: 27353043, 3243553, 7706948). Therefore, this variant is classified as Likely pathogenic according to the recommendation of ACMG/AMP guideline.

Institute of Human Genetics, University of Leipzig Medical Center
Classification: Uncertain significance for Familial type 3 hyperlipoproteinemia. Last evaluated: 2023-05-16. Review status: criteria provided, single submitter. Criteria: ACMG Guidelines, 2015. Collection method: clinical testing. Allele origin: unknown. Affected: yes.
Comment: Criteria applied: PM5,PP3,PS4_SUP

Department of Pathology and Laboratory Medicine, Sinai Health System
Classification: Likely pathogenic for Alzheimer disease 2. Last evaluated: 2023-03-09. Review status: criteria provided, single submitter. Criteria: ACMG Guidelines, 2015. Collection method: research. Allele origin: germline.

Literature cited by the submitters: PubMed 27353043 (cited by 3billion); PubMed 7907341 (cited by 3billion).

NM_000041.4(APOE):c.460C>T (p.Arg154Cys)

Gene: APOE (apolipoprotein E; plus strand). Cytogenetic location: 19q13.32.
Variant type: single nucleotide variant.
Coding change: c.460C>T on transcript NM_000041.4 (MANE Select); coding-DNA position 460, C replaced by T.
Protein change: p.Arg154Cys; replaces arginine 154 with cysteine.
Molecular consequence: missense variant.
Genome position (GRCh38, 1-based): chr19:44,908,756, C>T. VCF-style: chr19-44908756-C-T. GRCh37 (hg19) VCF-style: chr19-45412013-C-T.
Other names: c.538C>T, p.Arg180Cys (NM_001302688.2); c.460C>T, p.Arg154Cys (NM_001302689.2, NM_001302690.2, NM_001302691.2); c.460C>T (NM_000041.3); short protein forms R180C, R154C.
Identifiers: ClinVar variation 3572888 (VCV003572888.4).